The following is an entry in ClinVar:

NM_014000.3(VCL):c.370C>T (p.Leu124Phe)

Gene: VCL (vinculin; plus strand). Cytogenetic location: 10q22.2.
Variant type: single nucleotide variant.
Coding change: c.370C>T on transcript NM_014000.3 (MANE Select); coding-DNA position 370, C replaced by T.
Protein change: p.Leu124Phe; replaces leucine 124 with phenylalanine.
Molecular consequence: missense variant.
Genome position (GRCh38, 1-based): chr10:74,070,800, C>T. VCF-style: chr10-74070800-C-T. GRCh37 (hg19) VCF-style: chr10-75830558-C-T.
Other names: c.370C>T, p.Leu124Phe (NM_003373.4); short protein forms L124F.
Identifiers: ClinVar variation 1002839 (VCV001002839.8), dbSNP rs1841652470, ClinGen allele CA377266091.

ClinVar aggregate classification (germline): Uncertain significance (1 of 4 stars; one submission).

Conditions:
Dilated cardiomyopathy 1W (CMD1W). Identifiers: Orphanet 154, MedGen C1969639, MONDO:0012667, OMIM 611407.

Submission:

Labcorp Genetics (formerly Invitae), Labcorp
Classification: Uncertain significance for Dilated cardiomyopathy 1W. Last evaluated: 2022-10-13. Review status: criteria provided, single submitter. Criteria: Invitae Variant Classification Sherloc (09022015). Collection method: clinical testing. Allele origin: germline.
Comment: This sequence change replaces leucine, which is neutral and non-polar, with phenylalanine, which is neutral and non-polar, at codon 124 of the VCL protein (p.Leu124Phe). In summary, the available evidence is currently insufficient to determine the role of this variant in disease. Therefore, it has been classified as a Variant of Uncertain Significance. Algorithms developed to predict the effect of missense changes on protein structure and function are either unavailable or do not agree on the potential impact of this missense change (SIFT: "Not Available"; PolyPhen-2: "Probably Damaging"; Align-GVGD: "Not Available"). ClinVar contains an entry for this variant (Variation ID: 1002839). This variant has not been reported in the literature in individuals affected with VCL-related conditions. This variant is not present in population databases (gnomAD no frequency).